The following is an entry in ClinVar:

NM_016360.4(TACO1):c.677_680del (p.Glu226fs)

Gene: TACO1 (translational activator of cytochrome c oxidase I; plus strand). Cytogenetic location: 17q23.3.
Variant type: Deletion.
Coding change: c.677_680del on transcript NM_016360.4 (MANE Select); coding-DNA positions 677 to 680, 4 bases deleted (AAAG; older notation c.677_680delAAAG).
Protein change: p.Glu226fs; shifts the reading frame from glutamic acid 226.
Molecular consequence: frameshift variant.
Genome position (GRCh38, 1-based): chr17:63,607,448-63,607,451, AAAG deleted; deleting any 4 consecutive bases within chr17:63,607,445-63,607,451 gives the same sequence; the c. name uses the placement nearest the transcript's 3' end. VCF-style (leftmost placement, unchanged base first): chr17-63607444-GAAGA-G. GRCh37 (hg19) VCF-style: chr17-61684804-GAAGA-G.
Other names: short protein forms E226fs.
Identifiers: ClinVar variation 4537514 (VCV004537514.1).

ClinVar aggregate classification (germline): Uncertain significance (1 of 4 stars; one submission).

Submission:

GeneDx
Classification: Uncertain significance. Last evaluated: 2025-06-12. Review status: criteria provided, single submitter. Criteria: GeneDx Variant Classification Process June 2021. Collection method: clinical testing. Allele origin: germline. Affected: yes.
Comment: Not observed at significant frequency in large population cohorts (gnomAD); Frameshift variant predicted to result in abnormal protein length as the last 72 amino acid(s) are replaced with 15 different amino acid(s); Has not been previously published as pathogenic or benign to our knowledge